The following is an entry in ClinVar:

NM_017780.4(CHD7):c.3033T>C (p.Tyr1011=)

Gene: CHD7 (chromodomain helicase DNA binding protein 7; plus strand). Cytogenetic location: 8q12.2.
Variant type: single nucleotide variant.
Coding change: c.3033T>C on transcript NM_017780.4 (MANE Select); coding-DNA position 3033, T replaced by C.
Protein change: p.Tyr1011=; no amino-acid change (tyrosine 1011 retained).
Molecular consequence: synonymous variant. On other transcripts: intron variant (1).
Genome position (GRCh38, 1-based): chr8:60,822,578, T>C. VCF-style: chr8-60822578-T-C. GRCh37 (hg19) VCF-style: chr8-61735137-T-C.
Other names: c.1717-39651T>C (NM_001316690.1).
Identifiers: ClinVar variation 2777921 (VCV002777921.26), dbSNP rs1804095038, ClinGen allele CA461104404.
Genomic context (GRCh38, chr8:60,822,578, plus strand): 5'-AGCAGATGAAATGGGTTTGGGAAAAACTATCCAGTCCATTACATTTCTCTATGAGATATA[T>C]TTGAAAGGAATCCATGGCCCTTTTTTAGTAATTGCCCCATTGTCCACAATCCCCAACTGG-3'
Protein context (NP_060250.2, residues 1001-1021): IQSITFLYEI[Tyr1011=]LKGIHGPFLV

ClinVar aggregate classification (germline): Conflicting classifications of pathogenicity. Review status: criteria provided, conflicting classifications (1 of 4 stars). 3 submissions from 3 submitters: Uncertain significance (1); Likely benign (2). Last evaluated 2024-01-01.

Conditions:
CHARGE syndrome (CHARGE). Also called: Hittner Hirsch Kreh syndrome; CHARGE ASSOCIATION--COLOBOMA, HEART ANOMALY, CHOANAL ATRESIA, RETARDATION, GENITAL AND EAR ANOMALIES; Coloboma, heart anomaly, choanal atresia, retardation, genital and ear anomalies; CHARGE association; Hall-Hittner syndrome. Identifiers: Orphanet 138, MedGen C0265354, MONDO:0008965.

Submissions (3):

CeGaT Center for Human Genetics Tuebingen
Classification: Uncertain significance. Last evaluated: 2024-01-01. Review status: criteria provided, single submitter. Criteria: CeGaT Center For Human Genetics Tuebingen Variant Classification Criteria Version 2. Collection method: clinical testing. Allele origin: germline. Affected: yes. Observed: 1 variant allele.
Comment: CHD7: PM2:Supporting, BP4

Labcorp Genetics (formerly Invitae), Labcorp
Classification: Likely benign for CHARGE syndrome. Last evaluated: 2023-10-04. Review status: criteria provided, single submitter. Criteria: Invitae Variant Classification Sherloc (09022015). Collection method: clinical testing. Allele origin: germline.

Blueprint Genetics
Classification: Likely benign. Last evaluated: 2020-01-15. Review status: criteria provided, single submitter. Criteria: ACMG Guidelines, 2015. Collection method: clinical testing. Allele origin: germline.